The following is an entry in ClinVar:

ClinVar aggregate classification (germline): Likely benign. Review status: criteria provided, multiple submitters, no conflicts (2 of 4 stars). 5 submissions from 5 submitters: Likely benign (4). 1 of the submissions does not count toward it. Last evaluated 2026-01-05.

Conditions:
TRDN-related disorder. Also called: TRDN-related condition.
Catecholaminergic polymorphic ventricular tachycardia 5 (CARDAR). Also called: CARDIAC ARRHYTHMIA SYNDROME, WITH OR WITHOUT SKELETAL MUSCLE WEAKNESS; Ventricular tachycardia, catecholaminergic polymorphic, 5, with or without muscle weakness. Identifiers: Orphanet 3286, MedGen C3809536, MONDO:0014191, OMIM 615441.
Catecholaminergic polymorphic ventricular tachycardia 1. Also called: VENTRICULAR TACHYCARDIA, CATECHOLAMINERGIC POLYMORPHIC, 1, WITH OR WITHOUT ATRIAL DYSFUNCTION AND/OR DILATED CARDIOMYOPATHY; RYR2-Related Catecholaminergic Polymorphic Ventricular Tachycardia; VENTRICULAR TACHYCARDIA, STRESS-INDUCED POLYMORPHIC 1. Identifiers: Orphanet 3286, MedGen C1631597, MONDO:0011484, OMIM 604772.

Allele frequency attached by ClinVar (database versions not stated): gnomAD 0.00001 and 0.00012; TOPMed 0.00005; gnomAD exomes 0.00050; 1000 Genomes Project 0.00060; 1000 Genomes Project 30x 0.00062; ExAC 0.00191.
gnomAD v4.1: 346 of 1,482,694 alleles (0.023%); highest among the groups gnomAD compares: South Asian, 0.41%; 6 homozygotes.

Submissions (5):

Labcorp Genetics (formerly Invitae), Labcorp
Classification: Likely benign for Catecholaminergic polymorphic ventricular tachycardia 1. Last evaluated: 2026-01-05. Review status: criteria provided, single submitter. Criteria: Invitae Variant Classification Sherloc (09022015). Collection method: clinical testing. Allele origin: germline.

Blueprint Genetics
Classification: Likely benign. Last evaluated: 2024-09-12. Review status: criteria provided, single submitter. Criteria: ACMG Guidelines, 2015. Collection method: clinical testing. Allele origin: germline.

GeneDx
Classification: Likely benign. Last evaluated: 2022-02-23. Review status: criteria provided, single submitter. Criteria: GeneDx Variant Classification Process June 2021. Collection method: clinical testing. Allele origin: germline. Affected: yes.

Fulgent Genetics
Classification: Likely benign for Catecholaminergic polymorphic ventricular tachycardia 1; Catecholaminergic polymorphic ventricular tachycardia 5. Last evaluated: 2021-08-09. Review status: criteria provided, single submitter. Criteria: ACMG Guidelines, 2015. Collection method: clinical testing. Allele origin: unknown.

PreventionGenetics, part of Exact Sciences
Classification: Likely benign for TRDN-related condition. Last evaluated: 2022-05-10. Review status: no assertion criteria provided. Collection method: clinical testing. Allele origin: germline. Not counted in ClinVar's aggregate classification.
Comment: This variant is classified as likely benign based on ACMG/AMP sequence variant interpretation guidelines (Richards et al. 2015 PMID: 25741868, with internal and published modifications).

NM_006073.4(TRDN):c.502G>A (p.Glu168Lys)

Gene: TRDN (triadin; minus strand). Cytogenetic location: 6q22.31.
Variant type: single nucleotide variant.
Coding change: c.502G>A on transcript NM_006073.4 (MANE Select); coding-DNA position 502, G replaced by A.
Protein change: p.Glu168Lys; replaces glutamic acid 168 with lysine.
Molecular consequence: missense variant.
Genome position (GRCh38, 1-based): chr6:123,516,189, C>T on the plus strand (G>A on the coding strand, the complement: TRDN is on the minus strand). VCF-style: chr6-123516189-C-T. GRCh37 (hg19) VCF-style: chr6-123837334-C-T.
Other names: c.502G>A, p.Glu168Lys (NM_001251987.2, NM_001256020.2, NM_001256021.2); short protein forms E168K.
Identifiers: ClinVar variation 240287 (VCV000240287.20), dbSNP rs545032318, ClinGen allele CA3984351.